The following is an entry in ClinVar:

NM_002439.5(MSH3):c.3266A>G (p.Lys1089Arg)

Gene: MSH3 (mutS homolog 3; plus strand). Cytogenetic location: 5q14.1.
Variant type: single nucleotide variant.
Coding change: c.3266A>G on transcript NM_002439.5 (MANE Select); coding-DNA position 3266, A replaced by G.
Protein change: p.Lys1089Arg; replaces lysine 1089 with arginine.
Molecular consequence: missense variant.
Genome position (GRCh38, 1-based): chr5:80,873,251, A>G. VCF-style: chr5-80873251-A-G. GRCh37 (hg19) VCF-style: chr5-80169070-A-G.
Other names: c.3266A>G (NM_002439.3); short protein forms K1089R.
Identifiers: ClinVar variation 661162 (VCV000661162.11), dbSNP rs1580104459, ClinGen allele CA360347064.

ClinVar aggregate classification (germline): Uncertain significance. Review status: criteria provided, multiple submitters, no conflicts (2 of 4 stars). 2 submissions from 2 submitters: Uncertain significance (2). Last evaluated 2024-06-10.

Conditions:
Hereditary cancer-predisposing syndrome. Also called: Neoplastic Syndromes, Hereditary; Tumor predisposition; Hereditary neoplastic syndrome; Hereditary Cancer Syndrome. Identifiers: Orphanet 140162, MedGen C0027672, MeSH D009386, MONDO:0015356.

Allele frequency attached by ClinVar (database versions not stated): gnomAD exomes below 0.00001.
gnomAD v4.1: 2 of 1,614,016 alleles (0.00012%); highest among the groups gnomAD compares: Non-Finnish European, 0.00017%; no homozygotes.

Submissions (2):

Labcorp Genetics (formerly Invitae), Labcorp
Classification: Uncertain significance. Last evaluated: 2024-06-10. Review status: criteria provided, single submitter. Criteria: Invitae Variant Classification Sherloc (09022015). Collection method: clinical testing. Allele origin: germline.
Comment: This sequence change replaces lysine, which is basic and polar, with arginine, which is basic and polar, at codon 1089 of the MSH3 protein (p.Lys1089Arg). This variant is not present in population databases (gnomAD no frequency). This variant has not been reported in the literature in individuals affected with MSH3-related conditions. ClinVar contains an entry for this variant (Variation ID: 661162). An algorithm developed to predict the effect of missense changes on protein structure and function (PolyPhen-2) suggests that this variant is likely to be disruptive. In summary, the available evidence is currently insufficient to determine the role of this variant in disease. Therefore, it has been classified as a Variant of Uncertain Significance.

Ambry Genetics
Classification: Uncertain significance for Hereditary cancer-predisposing syndrome. Last evaluated: 2023-11-22. Review status: criteria provided, single submitter. Criteria: Ambry Variant Classification Scheme 2023. Collection method: clinical testing. Allele origin: germline.
Comment: The p.K1089R variant (also known as c.3266A>G), located in coding exon 23 of the MSH3 gene, results from an A to G substitution at nucleotide position 3266. The lysine at codon 1089 is replaced by arginine, an amino acid with highly similar properties. This amino acid position is conserved. In addition, the in silico prediction for this alteration is inconclusive. Since supporting evidence is limited at this time, the clinical significance of this alteration remains unclear.